The following is an entry in ClinVar:

NM_001376.5(DYNC1H1):c.12563C>T (p.Ala4188Val)

Gene: DYNC1H1 (dynein cytoplasmic 1 heavy chain 1; plus strand). Cytogenetic location: 14q32.31.
Variant type: single nucleotide variant.
Coding change: c.12563C>T on transcript NM_001376.5 (MANE Select); coding-DNA position 12563, C replaced by T.
Protein change: p.Ala4188Val; replaces alanine 4188 with valine.
Molecular consequence: missense variant.
Genome position (GRCh38, 1-based): chr14:102,043,924, C>T. VCF-style: chr14-102043924-C-T. GRCh37 (hg19) VCF-style: chr14-102510261-C-T.
Other names: short protein forms A4188V.
Identifiers: ClinVar variation 2068692 (VCV002068692.4), dbSNP rs2048683179, ClinGen allele CA391042154.

ClinVar aggregate classification (germline): Uncertain significance (1 of 4 stars; one submission).

Conditions:
Charcot-Marie-Tooth disease axonal type 2O. Also called: CHARCOT-MARIE-TOOTH NEUROPATHY, AXONAL, TYPE 2O; CHARCOT-MARIE-TOOTH DISEASE, AXONAL, AUTOSOMAL DOMINANT, TYPE 2O; Charcot-Marie-Tooth disease, axonal, type 20; Charcot-Marie-Tooth Neuropathy Type 2O. Identifiers: Orphanet 284232, MedGen C3280220, MONDO:0013644, OMIM 614228.

Allele frequency attached by ClinVar (database versions not stated): gnomAD exomes below 0.00001; TOPMed below 0.00001.
gnomAD v4.1: 1 of 1,614,198 alleles (0.000062%); highest among the groups gnomAD compares: Non-Finnish European, 0.000085%; no homozygotes.

Submission:

Labcorp Genetics (formerly Invitae), Labcorp
Classification: Uncertain significance for Charcot-Marie-Tooth disease axonal type 2O. Last evaluated: 2022-01-01. Review status: criteria provided, single submitter. Criteria: Invitae Variant Classification Sherloc (09022015). Collection method: clinical testing. Allele origin: germline.
Comment: This variant is not present in population databases (gnomAD no frequency). This sequence change replaces alanine, which is neutral and non-polar, with valine, which is neutral and non-polar, at codon 4188 of the DYNC1H1 protein (p.Ala4188Val). In summary, the available evidence is currently insufficient to determine the role of this variant in disease. Therefore, it has been classified as a Variant of Uncertain Significance. Advanced modeling of protein sequence and biophysical properties (such as structural, functional, and spatial information, amino acid conservation, physicochemical variation, residue mobility, and thermodynamic stability) performed at Invitae indicates that this missense variant is not expected to disrupt DYNC1H1 protein function. This variant has not been reported in the literature in individuals affected with DYNC1H1-related conditions.